The following is an entry in ClinVar:

ClinVar aggregate classification (germline): Pathogenic. Review status: criteria provided, multiple submitters, no conflicts (2 of 4 stars). 2 submissions from 2 submitters: Pathogenic (2). Last evaluated 2024-08-10.

Conditions:
Neurofibromatosis, type 2 (SWNV). Also called: NF2-Related Schwannomatosis; BILATERAL ACOUSTIC NEUROFIBROMATOSIS; SCHWANNOMATOSIS, VESTIBULAR. Identifiers: Orphanet 637, MedGen C0027832, MONDO:0007039, OMIM 101000. Disease mechanism: loss of function.

Submissions (2):

Labcorp Genetics (formerly Invitae), Labcorp
Classification: Pathogenic for Neurofibromatosis, type 2. Last evaluated: 2024-08-10. Review status: criteria provided, single submitter. Criteria: Invitae Variant Classification Sherloc (09022015). Collection method: clinical testing. Allele origin: germline.
Comment: This sequence change creates a premature translational stop signal (p.Glu372*) in the NF2 gene. It is expected to result in an absent or disrupted protein product. Loss-of-function variants in NF2 are known to be pathogenic (PMID: 9643284, 16983642). This variant is not present in population databases (gnomAD no frequency). This variant has not been reported in the literature in individuals affected with NF2-related conditions. For these reasons, this variant has been classified as Pathogenic.

Juno Genomics, Hangzhou Juno Genomics, Inc
Classification: Pathogenic for Neurofibromatosis, type 2. Review status: criteria provided, single submitter. Criteria: ACMG Guidelines, 2015. Collection method: clinical testing. Allele origin: germline. Affected: yes.
Comment: Absent from controls (or at extremely low frequency if recessive) in Genome Aggregation Database, Exome Sequencing Project, 1000 Genomes Project, or Exome Aggregation Consortium.;Null variant in a gene where loss of function (LOF) is a known mechanism of disease.;The prevalence of the variant in affected individuals is significantly increased compared to the prevalence in controls.;Patient's phenotype or family history is highly specific for a disease with a single genetic etiology.;Assumed de novo, but without confirmation of paternity and maternity.

Literature cited by the submitters: PubMed 9643284 (cited by Labcorp Genetics (formerly Invitae), Labcorp); PubMed 16983642 (cited by Labcorp Genetics (formerly Invitae), Labcorp).

NM_000268.4(NF2):c.1114G>T (p.Glu372Ter)

Gene: NF2 (NF2, moesin-ezrin-radixin like (MERLIN) tumor suppressor; plus strand). Cytogenetic location: 22q12.2.
Variant type: single nucleotide variant.
Coding change: c.1114G>T on transcript NM_000268.4 (MANE Select); coding-DNA position 1114, G replaced by T.
Protein change: p.Glu372Ter; replaces glutamic acid 372 with a stop codon.
Molecular consequence: nonsense. On other transcripts: intron variant (1).
Genome position (GRCh38, 1-based): chr22:29,671,940, G>T. VCF-style: chr22-29671940-G-T. GRCh37 (hg19) VCF-style: chr22-30067929-G-T.
Other names: c.1000G>T, p.Glu334Ter (NM_001407053.1, NM_001407056.1); c.991G>T, p.Glu331Ter (NM_001407054.1, NM_001407058.1, NM_181829.3); c.988G>T, p.Glu330Ter (NM_001407055.1, NM_181828.3); c.979G>T, p.Glu327Ter (NM_001407057.1, NM_001407059.1); c.1114G>T, p.Glu372Ter (NM_001407060.1, NM_001407066.1, NM_016418.5 and 2 more transcripts); c.856G>T, p.Glu286Ter (NM_001407062.1); c.865G>T, p.Glu289Ter (NM_001407063.1, NM_001407064.1, NM_181830.3 and 1 more transcripts); c.580G>T, p.Glu194Ter (NM_001407065.1); and 2 more; short protein forms E194*, E286*, E289*, E295*, E327*, E330*, E331*, E334*.
Identifiers: ClinVar variation 3382022 (VCV003382022.4).
Genomic context (GRCh38, chr22:29,671,940, plus strand): 5'-ACGAGGGATGAGTTGGAGAGGAGGCTGCTGCAGATGAAAGAAGAAGCAACAATGGCCAAC[G>T]AAGCACTGGTGATTTCTGAGGGGCTGGGGTTCCAGGAGGCTACTTGGGGACTTCCTTGGC-3'